The following is an entry in ClinVar:

NM_001110556.2(FLNA):c.5284A>G (p.Thr1762Ala)

Gene: FLNA (filamin A; minus strand). Cytogenetic location: Xq28.
Variant type: single nucleotide variant.
Coding change: c.5284A>G on transcript NM_001110556.2 (MANE Select); coding-DNA position 5284, A replaced by G.
Protein change: p.Thr1762Ala; replaces threonine 1762 with alanine.
Molecular consequence: missense variant.
Genome position (GRCh38, 1-based): chrX:154,354,645, T>C on the plus strand (A>G on the coding strand, the complement: FLNA is on the minus strand). VCF-style: chrX-154354645-T-C. GRCh37 (hg19) VCF-style: chrX-153583013-T-C.
Other names: c.5260A>G, p.Thr1754Ala (NM_001456.4); short protein forms T1762A, T1754A.
Identifiers: ClinVar variation 4789579 (VCV004789579.1).
Genomic context (GRCh38, chrX:154,354,645, plus strand): 5'-GCCCCAGTGTCCCTAGCTGGCCAGGCCGTACCCAAGTCTGCTGGCCGCCCTGGGCGTAGG[T>C]GTACTGTGGGGCCAGCTGCTGAGACCGTAGAGGGGGCTGCACCGAGGGCTGGTCCCCAGC-3'
Protein context (NP_001104026.1, residues 1752-1772): LRSQQLAPQY[Thr1762Ala]YAQGGQQTWA

ClinVar aggregate classification (germline): Uncertain significance (1 of 4 stars; one submission).

Conditions:
Heterotopia, periventricular, X-linked dominant (PVNH1). Also called: PERIVENTRICULAR NODULAR HETEROTOPIA 4; HETEROTOPIA, PERIVENTRICULAR, 1; PERIVENTRICULAR NODULAR HETEROTOPIA 1; X-linked periventricular heterotopia. Identifiers: Orphanet 2149, Orphanet 82004, MedGen C1848213, MONDO:0010233, OMIM 300049.
Oto-palato-digital syndrome, type II (OPD2). Also called: Otopalatodigital Syndrome, Type II; FACIOPALATOOSSEOUS SYNDROME; OPD II SYNDROME; Otopalatodigital Syndrome Type 2 (FLNA-OPD2). Identifiers: Orphanet 669, Orphanet 90652, MedGen C1844696, MONDO:0010571, OMIM 304120.
Melnick-Needles syndrome (MNS). Also called: MELNICK-NEEDLES OSTEODYSPLASTY; OSTEODYSPLASTY OF MELNICK AND NEEDLES; Melnick-Needles Syndrome (FLNA-MNS). Identifiers: Orphanet 2484, MedGen C0025237, MONDO:0010650, OMIM 309350.
Frontometaphyseal dysplasia (FMD1). Identifiers: Orphanet 1826, MedGen C0265293, MONDO:0015942.

Submission:

Labcorp Genetics (formerly Invitae), Labcorp
Classification: Uncertain significance for Oto-palato-digital syndrome, type II; Heterotopia, periventricular, X-linked dominant; Frontometaphyseal dysplasia; Melnick-Needles syndrome. Last evaluated: 2025-08-03. Review status: criteria provided, single submitter. Criteria: Invitae Variant Classification Sherloc (09022015). Collection method: clinical testing. Allele origin: germline.
Comment: This sequence change replaces threonine, which is neutral and polar, with alanine, which is neutral and non-polar, at codon 1754 of the FLNA protein (p.Thr1754Ala). This variant is not present in population databases (gnomAD no frequency). This variant has not been reported in the literature in individuals affected with FLNA-related conditions. Invitae Evidence Modeling of protein sequence and biophysical properties (such as structural, functional, and spatial information, amino acid conservation, physicochemical variation, residue mobility, and thermodynamic stability) indicates that this missense variant is not expected to disrupt FLNA protein function with a negative predictive value of 95%. In summary, the available evidence is currently insufficient to determine the role of this variant in disease. Therefore, it has been classified as a Variant of Uncertain Significance.